The following is an entry in ClinVar:

ClinVar aggregate classification (germline): Likely benign (0 of 4 stars; one submission).

Conditions:
TMED3-related disorder. Also called: TMED3-related condition.

gnomAD v4.1: 16 of 702,342 alleles (0.0023%); highest among the groups gnomAD compares: Admixed American, 0.024%; no homozygotes.

Submission:

PreventionGenetics, part of Exact Sciences
Classification: Likely benign for TMED3-related condition. Last evaluated: 2023-03-21. Review status: no assertion criteria provided. Collection method: clinical testing. Allele origin: germline.
Comment: This variant is classified as likely benign based on ACMG/AMP sequence variant interpretation guidelines (Richards et al. 2015 PMID: 25741868, with internal and published modifications).

NM_001330376.2(TMED3):c.492C>A (p.Thr164=)

Genes: MINAR1 (membrane integral NOTCH2 associated receptor 1; plus strand), TMED3 (transmembrane p24 trafficking protein 3; plus strand). Cytogenetic location: 15q25.1.
Variant type: single nucleotide variant.
Coding change: c.492C>A on transcript NM_001330376.2; coding-DNA position 492, C replaced by A.
Protein change: p.Thr164=; no amino-acid change (threonine 164 retained).
Molecular consequence: synonymous variant.
Genome position (GRCh38, 1-based): chr15:79,411,474, C>A. VCF-style: chr15-79411474-C-A. GRCh37 (hg19) VCF-style: chr15-79703816-C-A.
Identifiers: ClinVar variation 3031394 (VCV003031394.2), dbSNP rs753170941, ClinGen allele CA7689552.
Genomic context (GRCh38, chr15:79,411,474, plus strand): 5'-TTATTGGAAGGAGGTGGACAAGATGGTCGACTATATGCAGCCAGGCGGAACACCTGCCAC[C>A]GAGGGACTGGGACGACTGGCACCCTCCTAACAGATTTTCAGCGGGGAGGCACTGAGAGTG-3'